The following is an entry in ClinVar:

ClinVar aggregate classification (germline): Uncertain significance (1 of 4 stars; one submission).

Conditions:
Arrhythmogenic right ventricular dysplasia 5. Also called: ARRHYTHMOGENIC RIGHT VENTRICULAR DYSPLASIA, FAMILIAL, 5; Arrhythmogenic Right Ventricular Dysplasia/Cardiomyopathy 5. Identifiers: MedGen C1858379, MONDO:0011459, OMIM 604400.

Allele frequency attached by ClinVar (database versions not stated): gnomAD exomes below 0.00001 and 0.00001.
gnomAD v4.1: 2 of 1,612,030 alleles (0.00012%); highest among the groups gnomAD compares: Admixed American, 0.0033%; no homozygotes.

Submission:

Labcorp Genetics (formerly Invitae), Labcorp
Classification: Uncertain significance for Arrhythmogenic right ventricular dysplasia 5. Last evaluated: 2018-12-09. Review status: criteria provided, single submitter. Criteria: Invitae Variant Classification Sherloc (09022015). Collection method: clinical testing. Allele origin: germline.
Comment: In summary, the available evidence is currently insufficient to determine the role of this variant in disease. Therefore, it has been classified as a Variant of Uncertain Significance. Algorithms developed to predict the effect of sequence changes on RNA splicing suggest that this variant may create or strengthen a splice site, but this prediction has not been confirmed by published transcriptional studies. Algorithms developed to predict the effect of missense changes on protein structure and function are either unavailable or do not agree on the potential impact of this missense change (SIFT: "Deleterious"; PolyPhen-2: "Probably Damaging"; Align-GVGD: "Class C0"). This variant has not been reported in the literature in individuals with TMEM43-related conditions. This variant is not present in population databases (ExAC no frequency). This sequence change replaces leucine with valine at codon 333 of the TMEM43 protein (p.Leu333Val). The leucine residue is highly conserved and there is a small physicochemical difference between leucine and valine.

NM_024334.3(TMEM43):c.997T>G (p.Leu333Val)

Gene: TMEM43 (transmembrane protein 43; plus strand). Cytogenetic location: 3p25.1.
Variant type: single nucleotide variant.
Coding change: c.997T>G on transcript NM_024334.3 (MANE Select); coding-DNA position 997, T replaced by G.
Protein change: p.Leu333Val; replaces leucine 333 with valine.
Molecular consequence: missense variant.
Genome position (GRCh38, 1-based): chr3:14,139,294, T>G. VCF-style: chr3-14139294-T-G. GRCh37 (hg19) VCF-style: chr3-14180794-T-G.
Other names: short protein forms L333V.
Identifiers: ClinVar variation 644612 (VCV000644612.8), dbSNP rs1487754536, ClinGen allele CA351536321.
Genomic context (GRCh38, chr3:14,139,294, plus strand): 5'-GCAGCTGGCTGGATGGCCATGTTCATGGGCCTCAACCTTATGACACGGATCCTCTACACC[T>G]TGGGTAGGTGTTGGGGTGGGTCACTGCCCTCCCTCCTGCACCCTGAAAGGGCCTCCTCTG-3'
Protein context (NP_077310.1, residues 323-343): LNLMTRILYT[Leu333Val]VDWFPVFRDL